The following is an entry in ClinVar:

ClinVar aggregate classification (germline): Conflicting classifications of pathogenicity. Review status: criteria provided, conflicting classifications (1 of 4 stars). 7 submissions from 7 submitters: Uncertain significance (5); Likely benign (1). 1 of the submissions does not count toward it. Last evaluated 2024-10-31.

Conditions:
Neuromuscular disease caused by qualitative or quantitative defects of dysferlin. Also called: Dysferlinopathy; Qualitative or quantitative defects of dysferlin. Identifiers: Orphanet 207073, MedGen C2931687, MONDO:0016145.
Autosomal recessive limb-girdle muscular dystrophy type 2B (LGMDR2). Also called: MUSCULAR DYSTROPHY, LIMB-GIRDLE, TYPE 3; MUSCULAR DYSTROPHY, LIMB-GIRDLE, AUTOSOMAL RECESSIVE 2; Limb-girdle muscular dystrophy, type 2B; Limb-Girdle Muscular Dystrophy Type 2B (LGMD2B). Identifiers: Orphanet 268, MedGen C1850889, MONDO:0009676, OMIM 253601.

Allele frequency attached by ClinVar (database versions not stated): gnomAD exomes 0.00010 and 0.00021; ExAC 0.00012; TOPMed 0.00016; gnomAD 0.00017 and 0.00018; ESP Exome Variant Server 0.00031.
gnomAD v4.1: 328 of 1,613,910 alleles (0.02%); highest among the groups gnomAD compares: Non-Finnish European, 0.026%; 1 homozygote.

Submissions (7):

Blueprint Genetics
Classification: Uncertain significance. Last evaluated: 2024-10-31. Review status: criteria provided, single submitter. Criteria: ACMG Guidelines, 2015. Collection method: clinical testing. Allele origin: germline.

Revvity Omics, Revvity
Classification: Uncertain significance. Last evaluated: 2023-12-20. Review status: criteria provided, single submitter. Criteria: ACMG Guidelines, 2015. Collection method: clinical testing. Allele origin: germline.

Labcorp Genetics (formerly Invitae), Labcorp
Classification: Uncertain significance for Neuromuscular disease caused by qualitative or quantitative defects of dysferlin. Last evaluated: 2022-07-31. Review status: criteria provided, single submitter. Criteria: Invitae Variant Classification Sherloc (09022015). Collection method: clinical testing. Allele origin: germline.
Comment: This sequence change replaces valine, which is neutral and non-polar, with methionine, which is neutral and non-polar, at codon 226 of the DYSF protein (p.Val226Met). This variant is present in population databases (rs150345121, gnomAD 0.02%). This variant has not been reported in the literature in individuals affected with DYSF-related conditions. ClinVar contains an entry for this variant (Variation ID: 259085). Advanced modeling of protein sequence and biophysical properties (such as structural, functional, and spatial information, amino acid conservation, physicochemical variation, residue mobility, and thermodynamic stability) performed at Invitae indicates that this missense variant is expected to disrupt DYSF protein function. In summary, the available evidence is currently insufficient to determine the role of this variant in disease. Therefore, it has been classified as a Variant of Uncertain Significance.

GeneDx
Classification: Uncertain significance. Last evaluated: 2021-05-07. Review status: criteria provided, single submitter. Criteria: GeneDx Variant Classification Process June 2021. Collection method: clinical testing. Allele origin: germline. Affected: yes.
Comment: In silico analysis supports that this missense variant does not alter protein structure/function; Has not been previously published as pathogenic or benign to our knowledge

Eurofins Ntd Llc (ga)
Classification: Uncertain significance. Last evaluated: 2018-06-25. Review status: criteria provided, single submitter. Criteria: EGL ClinVar v180209 classification definitions. Collection method: clinical testing. Allele origin: germline. Observed: 1 variant allele, 1 heterozygote.

PreventionGenetics, part of Exact Sciences
Classification: Likely benign. Review status: criteria provided, single submitter. Criteria: ACMG Guidelines, 2015. Collection method: clinical testing. Allele origin: germline.

Natera, Inc.
Classification: Uncertain significance for Limb-girdle muscular dystrophy type 2B. Last evaluated: 2020-02-21. Review status: no assertion criteria provided. Collection method: clinical testing. Allele origin: germline. Not counted in ClinVar's aggregate classification.

NM_001130987.2(DYSF):c.772G>A (p.Val258Met)

Gene: DYSF (dysferlin; plus strand). Cytogenetic location: 2p13.2.
Variant type: single nucleotide variant.
Coding change: c.772G>A on transcript NM_001130987.2 (MANE Select); coding-DNA position 772, G replaced by A.
Protein change: p.Val258Met; replaces valine 258 with methionine.
Molecular consequence: missense variant.
Genome position (GRCh38, 1-based): chr2:71,515,635, G>A. VCF-style: chr2-71515635-G-A. GRCh37 (hg19) VCF-style: chr2-71742765-G-A.
Other names: c.679G>A, p.Val227Met (NM_001130455.2, NM_001130983.2, NM_001130984.2 and 1 more transcripts); c.676G>A, p.Val226Met (NM_001130976.2, NM_001130977.2, NM_001130978.2 and 1 more transcripts); c.769G>A, p.Val257Met (NM_001130979.2, NM_001130980.2, NM_001130981.2); c.772G>A, p.Val258Met (NM_001130982.2, NM_001130985.2); short protein forms V226M, V258M, V257M, V227M.
Identifiers: ClinVar variation 259085 (VCV000259085.15), dbSNP rs150345121, ClinGen allele CA1705456.